The following is an entry in ClinVar:

ClinVar aggregate classification (germline): Uncertain significance (1 of 4 stars; one submission).

Conditions:
Multiple endocrine neoplasia type 4. Also called: MULTIPLE ENDOCRINE NEOPLASIA, TYPE IV. Identifiers: Orphanet 276152, MedGen C1970712, MONDO:0012552, OMIM 610755.

Allele frequency attached by ClinVar (database versions not stated): gnomAD exomes below 0.00001.

Submission:

Labcorp Genetics (formerly Invitae), Labcorp
Classification: Uncertain significance for Multiple endocrine neoplasia type 4. Last evaluated: 2024-04-15. Review status: criteria provided, single submitter. Criteria: Invitae Variant Classification Sherloc (09022015). Collection method: clinical testing. Allele origin: germline.
Comment: This sequence change affects the initiator methionine of the CDKN1B mRNA. The next in-frame methionine is located at codon 16. This variant is not present in population databases (gnomAD no frequency). This variant has not been reported in the literature in individuals affected with CDKN1B-related conditions. ClinVar contains an entry for this variant (Variation ID: 958256). In summary, the available evidence is currently insufficient to determine the role of this variant in disease. Therefore, it has been classified as a Variant of Uncertain Significance.

NM_004064.5(CDKN1B):c.1A>G (p.Met1Val)

Gene: CDKN1B (cyclin dependent kinase inhibitor 1B; plus strand). Cytogenetic location: 12p13.1.
Variant type: single nucleotide variant.
Coding change: c.1A>G on transcript NM_004064.5 (MANE Select); coding-DNA position 1, A replaced by G.
Protein change: p.Met1Val; changes the start codon (methionine 1).
Molecular consequence: missense variant, initiator codon variant.
Genome position (GRCh38, 1-based): chr12:12,717,840, A>G. VCF-style: chr12-12717840-A-G. GRCh37 (hg19) VCF-style: chr12-12870774-A-G.
Other names: short protein forms M1V.
Identifiers: ClinVar variation 958256 (VCV000958256.8), dbSNP rs1946485126, ClinGen allele CA383967809.